The following is an entry in ClinVar:

NM_001378452.1(ITPR1):c.5725+5A>G

Gene: ITPR1 (inositol 1,4,5-trisphosphate receptor type 1; plus strand). Cytogenetic location: 3p26.1.
Variant type: single nucleotide variant.
Coding change: c.5725+5A>G on transcript NM_001378452.1 (MANE Select); 5 bases into the intron after coding-DNA position 5725, A replaced by G.
Molecular consequence: intron variant.
Genome position (GRCh38, 1-based): chr3:4,766,715, A>G. VCF-style: chr3-4766715-A-G. GRCh37 (hg19) VCF-style: chr3-4808399-A-G.
Other names: c.5581+5A>G (NM_001099952.4); c.5680+5A>G (NM_001168272.2); c.5536+5A>G (NM_002222.7).
Identifiers: ClinVar variation 2116272 (VCV002116272.4), dbSNP rs1315493251, ClinGen allele CA540814522.

ClinVar aggregate classification (germline): Uncertain significance (1 of 4 stars; one submission).

Submission:

Labcorp Genetics (formerly Invitae), Labcorp
Classification: Uncertain significance. Last evaluated: 2022-03-23. Review status: criteria provided, single submitter. Criteria: Invitae Variant Classification Sherloc (09022015). Collection method: clinical testing. Allele origin: germline.
Comment: Variants that disrupt the consensus splice site are a relatively common cause of aberrant splicing (PMID: 17576681, 9536098). Algorithms developed to predict the effect of sequence changes on RNA splicing suggest that this variant is not likely to affect RNA splicing. In summary, the available evidence is currently insufficient to determine the role of this variant in disease. Therefore, it has been classified as a Variant of Uncertain Significance. This sequence change falls in intron 41 of the ITPR1 gene. It does not directly change the encoded amino acid sequence of the ITPR1 protein. It affects a nucleotide within the consensus splice site. This variant is present in population databases (no rsID available, gnomAD 0.01%). This variant has not been reported in the literature in individuals affected with ITPR1-related conditions.

Literature cited by the submitters: PubMed 17576681; PubMed 9536098.